The following is an entry in ClinVar:

ClinVar aggregate classification (germline): Uncertain significance (1 of 4 stars; one submission).

Allele frequency attached by ClinVar (database versions not stated): gnomAD exomes below 0.00001 and 0.00001; ExAC 0.00001; gnomAD 0.00001; TOPMed 0.00001.
gnomAD v4.1: 11 of 1,600,562 alleles (0.00069%); highest among the groups gnomAD compares: Non-Finnish European, 0.00094%; no homozygotes.

Submission:

Labcorp Genetics (formerly Invitae), Labcorp
Classification: Uncertain significance. Last evaluated: 2023-08-17. Review status: criteria provided, single submitter. Criteria: Invitae Variant Classification Sherloc (09022015). Collection method: clinical testing. Allele origin: germline.
Comment: ClinVar contains an entry for this variant (Variation ID: 1463515). This variant has not been reported in the literature in individuals affected with GPR179-related conditions. This variant is present in population databases (rs770213472, gnomAD 0.0009%). This sequence change replaces aspartic acid, which is acidic and polar, with asparagine, which is neutral and polar, at codon 1051 of the GPR179 protein (p.Asp1051Asn). An algorithm developed to predict the effect of missense changes on protein structure and function (PolyPhen-2) suggests that this variant¬†is likely to be tolerated. In summary, the available evidence is currently insufficient to determine the role of this variant in disease. Therefore, it has been classified as a Variant of Uncertain Significance.

NM_001004334.4(GPR179):c.3151G>A (p.Asp1051Asn)

Gene: GPR179 (G protein-coupled receptor 179; minus strand). Cytogenetic location: 17q12.
Variant type: single nucleotide variant.
Coding change: c.3151G>A on transcript NM_001004334.4 (MANE Select); coding-DNA position 3151, G replaced by A.
Protein change: p.Asp1051Asn; replaces aspartic acid 1051 with asparagine.
Molecular consequence: missense variant.
Genome position (GRCh38, 1-based): chr17:38,330,418, C>T on the plus strand (G>A on the coding strand, the complement: GPR179 is on the minus strand). VCF-style: chr17-38330418-C-T. GRCh37 (hg19) VCF-style: chr17-36486301-C-T.
Other names: short protein forms D1051N.
Identifiers: ClinVar variation 1463515 (VCV001463515.5), dbSNP rs770213472, ClinGen allele CA290105336.